The following is an entry in ClinVar:

NM_001211.6(BUB1B):c.1227A>C (p.Glu409Asp)

Gene: BUB1B (BUB1 mitotic checkpoint serine/threonine kinase B; plus strand). Cytogenetic location: 15q15.1.
Variant type: single nucleotide variant.
Coding change: c.1227A>C on transcript NM_001211.6 (MANE Select); coding-DNA position 1227, A replaced by C.
Protein change: p.Glu409Asp; replaces glutamic acid 409 with aspartic acid.
Molecular consequence: missense variant.
Genome position (GRCh38, 1-based): chr15:40,196,713, A>C. VCF-style: chr15-40196713-A-C. GRCh37 (hg19) VCF-style: chr15-40488914-A-C.
Other names: short protein forms E409D.
Identifiers: ClinVar variation 533899 (VCV000533899.19), dbSNP rs28989188, ClinGen allele CA7475677.

ClinVar aggregate classification (germline): Uncertain significance. Review status: criteria provided, multiple submitters, no conflicts (2 of 4 stars). 6 submissions from 6 submitters: Uncertain significance (6). Last evaluated 2026-02-04.

Conditions:
Premature chromatid separation trait (PCS). Also called: TOTAL PREMATURE CHROMATID SEPARATION TRAIT. Identifiers: MedGen C1864389, MONDO:0008304, OMIM 176430.
Mosaic variegated aneuploidy syndrome 1 (MVA1). Also called: Warburton-Anyane-Yeboa syndrome. Identifiers: Orphanet 1052, MedGen C1850343, MONDO:0009759, OMIM 257300.
Colorectal cancer. Also called: Colorectal cancer, somatic; Malignant Colorectal Neoplasm. Identifiers: MedGen C0346629, MONDO:0005575, OMIM 114500.
Inborn genetic diseases. Identifiers: MedGen C0950123, MeSH D030342.

Allele frequency attached by ClinVar (database versions not stated): gnomAD exomes 0.00054 and 0.00025; gnomAD 0.00027; ExAC 0.00026; TOPMed 0.00035; ESP Exome Variant Server 0.00038.
gnomAD v4.1: 823 of 1,613,948 alleles (0.051%); highest among the groups gnomAD compares: Non-Finnish European, 0.065%; 1 homozygote.

Submissions (6):

Labcorp Genetics (formerly Invitae), Labcorp
Classification: Uncertain significance for Mosaic variegated aneuploidy syndrome 1. Last evaluated: 2026-02-04. Review status: criteria provided, single submitter. Criteria: Invitae Variant Classification Sherloc (09022015). Collection method: clinical testing. Allele origin: germline.
Comment: This sequence change replaces glutamic acid, which is acidic and polar, with aspartic acid, which is acidic and polar, at codon 409 of the BUB1B protein (p.Glu409Asp). This variant is present in population databases (rs28989188, gnomAD 0.04%). This missense change has been observed in individual(s) with a family history of pancreatic and esophageal cancer (PMID: 28591191). ClinVar contains an entry for this variant (Variation ID: 533899). An algorithm developed to predict the effect of missense changes on protein structure and function (PolyPhen-2) suggests that this variant is likely to be disruptive. In summary, the available evidence is currently insufficient to determine the role of this variant in disease. Therefore, it has been classified as a Variant of Uncertain Significance.

Molecular Pathology, Peter Maccallum Cancer Centre
Classification: Uncertain significance for Mosaic variegated aneuploidy syndrome 1. Last evaluated: 2024-10-25. Review status: criteria provided, single submitter. Criteria: ACMG Guidelines, 2015. Collection method: clinical testing. Allele origin: germline. Inheritance: Autosomal recessive inheritance.

Fulgent Genetics
Classification: Uncertain significance for Colorectal cancer; Premature chromatid separation trait; Mosaic variegated aneuploidy syndrome 1. Last evaluated: 2024-01-19. Review status: criteria provided, single submitter. Criteria: ACMG Guidelines, 2015. Collection method: clinical testing. Allele origin: germline.

St. Jude Molecular Pathology, St. Jude Children's Research Hospital
Classification: Uncertain significance for Mosaic variegated aneuploidy syndrome 1. Last evaluated: 2023-08-17. Review status: criteria provided, single submitter. Criteria: St. Jude Assertion Criteria 2020. Collection method: clinical testing. Allele origin: germline.
Comment: The BUB1B c.1227A>C (p.Glu409Asp) missense change has a maximum subpopulation frequency of 0.043% in gnomAD v2.1.1. The in silico tool REVEL is inconclusive about a pathogenic or benign effect of this variant on protein function, and functional studies have not been performed. This variant has not been reported in individuals with mosaic variegated aneuploidy syndrome. In summary, the evidence currently available is insufficient to determine the role of this variant in mosaic variegated aneuploidy syndrome. It has therefore been classified as of uncertain significance.

GeneDx
Classification: Uncertain significance. Last evaluated: 2023-03-31. Review status: criteria provided, single submitter. Criteria: GeneDx Variant Classification Process June 2021. Collection method: clinical testing. Allele origin: germline. Affected: yes.
Comment: In silico analysis supports that this missense variant does not alter protein structure/function; Observed in individuals with ovarian cancer and in controls (Stafford et al., 2017; Song et al., 2021); This variant is associated with the following publications: (PMID: 28591191, 32546565, 29641532)

Ambry Genetics
Classification: Uncertain significance for Inborn genetic diseases. Last evaluated: 2022-06-15. Review status: criteria provided, single submitter. Criteria: Ambry Variant Classification Scheme 2023. Collection method: clinical testing. Allele origin: germline.

Literature cited by the submitters: PubMed 28591191 (cited by Labcorp Genetics (formerly Invitae), Labcorp).